The following is an entry in ClinVar:

ClinVar aggregate classification (germline): Likely pathogenic (1 of 4 stars; one submission).

Conditions:
Hypotonia, ataxia, and delayed development syndrome (HADDS). Also called: EBF3 Neurodevelopmental Disorder. Identifiers: Orphanet 658843, MedGen C4310618, MONDO:0015021, OMIM 617330.

Submission:

Neuberg Centre For Genomic Medicine, NCGM
Classification: Likely pathogenic for Hypotonia, ataxia, and delayed development syndrome. Review status: criteria provided, single submitter. Criteria: ACMG Guidelines, 2015. Collection method: clinical testing. Allele origin: germline. Inheritance: Autosomal dominant inheritance. Affected: yes.
Comment: This variant causes a frameshift starting with codon Histidine 386, changes this amino acid to Glutamine residue, and creates a premature Stop codon at position 94 of the new reading frame, denoted p.His386GlnfsTer94. This variant has not been reported previously as a pathogenic or a benign variant to the best of our knowledge.The p.His386GlnfsTer94 variant is novel (not in any individuals) in gnomAD Exomes and 1000 Genomes. The variant is predicted to cause Loss of function. Loss of function variants have been previously reported to be disease causing. The variant is not present in the last/penultimate exon.This variant is classified as likely pathogenic as per ACMG guidelines.

NM_001375380.1(EBF3):c.1185_1186del (p.His395fs)

Gene: EBF3 (EBF transcription factor 3; minus strand). Cytogenetic location: 10q26.3.
Variant type: Microsatellite.
Coding change: c.1185_1186del on transcript NM_001375380.1 (MANE Select); coding-DNA positions 1185 to 1186, 2 bases deleted (CA; older notation c.1185_1186delCA).
Protein change: p.His395fs; shifts the reading frame from histidine 395.
Molecular consequence: frameshift variant.
Genome position (GRCh38, 1-based): chr10:129,843,145-129,843,146, TG deleted on the plus strand (CA on the coding strand, the reverse complement: EBF3 is on the minus strand); deleting any 2 consecutive bases within chr10:129,843,145-129,843,148 gives the same sequence; the c. name uses the placement nearest the transcript's 3' end. VCF-style (leftmost placement, unchanged base first): chr10-129843144-TTG-T. GRCh37 (hg19) VCF-style: chr10-131641408-TTG-T.
Other names: c.1158_1159del, p.His386fs (NM_001375390.1, NM_001375392.1, NM_001005463.3); c.1185_1186del, p.His395fs (NM_001375391.1, NM_001375379.1, NM_001375389.1); short protein forms H395fs, H386fs.
Identifiers: ClinVar variation 2585176 (VCV002585176.1), dbSNP rs2493774335, ClinGen allele CA2582341853.
Genomic context (GRCh38, chr10:129,843,144, plus strand): 5'-ACGGGTTCTGGCATGGGGGGGAGGATGGGCGAGGGGAGCCGCCCTCCACCTACCTGGTTG[TTG>T]TGAGGCATTCCGTATAAGGCTTCCACCAGGTCCGCCGCCCGCTTCAGTAACACCTCCTAA-3'